The following is an entry in ClinVar:

NM_001005242.3(PKP2):c.598G>A (p.Val200Met)

Gene: PKP2 (plakophilin 2; minus strand). Cytogenetic location: 12p11.21.
Variant type: single nucleotide variant.
Coding change: c.598G>A on transcript NM_001005242.3 (MANE Select); coding-DNA position 598, G replaced by A.
Protein change: p.Val200Met; replaces valine 200 with methionine.
Molecular consequence: missense variant.
Genome position (GRCh38, 1-based): chr12:32,878,282, C>T on the plus strand (G>A on the coding strand, the complement: PKP2 is on the minus strand). VCF-style: chr12-32878282-C-T. GRCh37 (hg19) VCF-style: chr12-33031216-C-T.
Other names: p.Val200Met; c.598G>A, p.Val200Met (NM_004572.4); short protein forms V200M.
Identifiers: ClinVar variation 578324 (VCV000578324.14), dbSNP rs369923216, ClinGen allele CA038131.

ClinVar aggregate classification (germline): Uncertain significance. Review status: criteria provided, multiple submitters, no conflicts (2 of 4 stars). 5 submissions from 5 submitters: Uncertain significance (5). Last evaluated 2026-01-19.

Conditions:
Cardiovascular phenotype. Identifiers: MedGen CN230736.
Arrhythmogenic right ventricular cardiomyopathy (ARVD). Also called: Arrhythmogenic cardiomyopathy; Arrhythmogenic Right Ventricular Cardiomyopathy (ARVC); Cardiomyopathy, ARVC; Arrhythmogenic right ventricular dysplasia. Identifiers: Orphanet 247, MedGen C0349788, MeSH D019571, MONDO:0016587. Disease mechanism: loss of function. Inheritance: Various modes of inheritance.
Cardiomyopathy (CMYO). Also called: Cardiomyopathies. Identifiers: Orphanet 167848, MedGen C0878544, MONDO:0004994, HP:0001638. Inheritance: Various modes of inheritance.
Arrhythmogenic right ventricular dysplasia 9 (ARVD9). Also called: Arrhythmogenic Right Ventricular Dysplasia/Cardiomyopathy 9; ARRHYTHMOGENIC RIGHT VENTRICULAR DYSPLASIA, FAMILIAL, 9. Identifiers: MedGen C1836906, MONDO:0012180, OMIM 609040.

Allele frequency attached by ClinVar (database versions not stated): gnomAD exomes below 0.00001 and 0.00003; ExAC 0.00001; gnomAD 0.00001 and 0.00002; TOPMed 0.00002; ESP Exome Variant Server 0.00008.
gnomAD v4.1: 42 of 1,613,794 alleles (0.0026%); highest among the groups gnomAD compares: East Asian, 0.013%; no homozygotes.

Submissions (5):

Labcorp Genetics (formerly Invitae), Labcorp
Classification: Uncertain significance for Arrhythmogenic right ventricular dysplasia 9. Last evaluated: 2026-01-19. Review status: criteria provided, single submitter. Criteria: Invitae Variant Classification Sherloc (09022015). Collection method: clinical testing. Allele origin: germline.
Comment: This sequence change replaces valine, which is neutral and non-polar, with methionine, which is neutral and non-polar, at codon 200 of the PKP2 protein (p.Val200Met). This variant is present in population databases (rs369923216, gnomAD 0.0009%). This variant has not been reported in the literature in individuals affected with PKP2-related conditions. ClinVar contains an entry for this variant (Variation ID: 578324). An algorithm developed to predict the effect of missense changes on protein structure and function (PolyPhen-2) suggests that this variant is likely to be disruptive. In summary, the available evidence is currently insufficient to determine the role of this variant in disease. Therefore, it has been classified as a Variant of Uncertain Significance.

All of Us Research Program, National Institutes of Health
Classification: Uncertain significance for Arrhythmogenic right ventricular cardiomyopathy. Last evaluated: 2024-03-24. Review status: criteria provided, single submitter. Criteria: ACMG Guidelines, 2015. Collection method: clinical testing. Allele origin: germline. Inheritance: Autosomal dominant inheritance. Observed: 4 variant alleles, 4 heterozygotes.
Comment: This missense variant replaces valine with methionine at codon 200 of the PKP2 protein. Computational prediction suggests that this variant may not impact protein structure and function (internally defined REVEL score threshold <= 0.5, PMID: 27666373). To our knowledge, functional studies have not been reported for this variant. This variant has not been reported in individuals affected with cardiovascular disorders in the literature. This variant has been identified in 1/251312 chromosomes in the general population by the Genome Aggregation Database (gnomAD). The available evidence is insufficient to determine the role of this variant in disease conclusively. Therefore, this variant is classified as a Variant of Uncertain Significance.

This study involves interpretation of variants in research participants for the purpose of population health screening. Participant phenotype was not available at the time of variant classification. Additional details can be found in publication PMID: 35346344, PMCID: PMC8962531

Color Diagnostics, LLC DBA Color Health
Classification: Uncertain significance for Cardiomyopathy. Last evaluated: 2024-03-06. Review status: criteria provided, single submitter. Criteria: ACMG Guidelines, 2015. Collection method: clinical testing. Allele origin: germline.
Comment: This missense variant replaces valine with methionine at codon 200 of the PKP2 protein. Computational prediction suggests that this variant may not impact protein structure and function (internally defined REVEL score threshold <= 0.5, PMID: 27666373). To our knowledge, functional studies have not been reported for this variant. This variant has not been reported in individuals affected with PKP2-related disorders in the literature. This variant has been identified in 1/251312 chromosomes in the general population by the Genome Aggregation Database (gnomAD). The available evidence is insufficient to determine the role of this variant in disease conclusively. Therefore, this variant is classified as a Variant of Uncertain Significance.

Ambry Genetics
Classification: Uncertain significance for Cardiovascular phenotype. Last evaluated: 2023-04-22. Review status: criteria provided, single submitter. Criteria: Ambry Variant Classification Scheme 2023. Collection method: clinical testing. Allele origin: germline.
Comment: The p.V200M variant (also known as c.598G>A), located in coding exon 3 of the PKP2 gene, results from a G to A substitution at nucleotide position 598. The valine at codon 200 is replaced by methionine, an amino acid with highly similar properties. This amino acid position is conserved. In addition, this alteration is predicted to be tolerated by in silico analysis. Since supporting evidence is limited at this time, the clinical significance of this alteration remains unclear.

Clinical Genomics Laboratory, Stanford Medicine
Classification: Uncertain significance for Arrhythmogenic right ventricular dysplasia 9. Last evaluated: 2021-06-16. Review status: criteria provided, single submitter. Criteria: ACMG Guidelines, 2015. Collection method: clinical testing. Allele origin: germline. Affected: yes. Observed: 1 heterozygote.
Comment: The p.Val200Met variant in the PKP2 gene has not been previously reported in association with disease. This variant has been identified in 1/113,736 European chromosomes by the Genome Aggregation Database. Computational tools predict that this variant does not impact protein function; however, the accuracy of in silico algorithms is limited. These data were assessed using the ACMG/AMP variant interpretation guidelines. In summary, the significance of the p.Val200Met variant is uncertain. Additional information is needed to resolve the significance of this variant. [ACMG evidence codes used: PM2]